The following is an entry in ClinVar:

NM_004699.4(FAM50A):c.616T>G (p.Trp206Gly)

Gene: FAM50A (family with sequence similarity 50 member A; plus strand). Cytogenetic location: Xq28.
Variant type: single nucleotide variant.
Coding change: c.616T>G on transcript NM_004699.4 (MANE Select); coding-DNA position 616, T replaced by G.
Protein change: p.Trp206Gly; replaces tryptophan 206 with glycine.
Molecular consequence: missense variant.
Genome position (GRCh38, 1-based): chrX:154,448,922, T>G. VCF-style: chrX-154448922-T-G. GRCh37 (hg19) VCF-style: chrX-153677270-T-G.
Other names: short protein forms W206G.
Identifiers: ClinVar variation 872939 (VCV000872939.1), dbSNP rs2068793121, ClinGen allele CA415217819.

ClinVar aggregate classification (germline): Uncertain significance. Review status: criteria provided, single submitter (1 of 4 stars). 2 submissions from 2 submitters: Uncertain significance (1). 1 of the submissions does not count toward it. Last evaluated 2020-05-07.

Conditions:
Armfield syndrome (MRXSA). Identifiers: Orphanet 85276, MedGen C1846057, MONDO:0010284, OMIM 300261.

Submissions (2):

GeneDx
Classification: Uncertain significance. Last evaluated: 2020-05-07. Review status: criteria provided, single submitter. Criteria: GeneDx Variant Classification (06012015). Collection method: clinical testing. Allele origin: germline. Affected: yes.
Comment: The W206G variant in the FAM50A gene has been observed in the hemizygous state in GeneDx whole exome sequencing data in association with global developmental delay, short stature, small hands and feet, dysmorphic features, and ocular anomalies. The W206G variant is not observed in large population cohorts (Lek et al., 2016). In silico analysis supports that this missense variant has a deleterious effect on protein structure/function. We interpret W206G as a variant of uncertain significance.

OMIM
Classification: Pathogenic for INTELLECTUAL DEVELOPMENTAL DISORDER, X-LINKED, SYNDROMIC, ARMFIELD TYPE. Last evaluated: 2020-08-27. Review status: no assertion criteria provided. Collection method: literature only. Allele origin: germline. Not counted in ClinVar's aggregate classification.

Literature cited by the submitters: PubMed 32703943 (cited by OMIM).